The following is an entry in ClinVar:

NM_001042492.3(NF1):c.4311G>T (p.Arg1437Ser)

Gene: NF1 (neurofibromin 1; plus strand). Cytogenetic location: 17q11.2.
Variant type: single nucleotide variant.
Coding change: c.4311G>T on transcript NM_001042492.3 (MANE Select); coding-DNA position 4311, G replaced by T.
Protein change: p.Arg1437Ser; replaces arginine 1437 with serine.
Molecular consequence: missense variant.
Genome position (GRCh38, 1-based): chr17:31,258,481, G>T. VCF-style: chr17-31258481-G-T. GRCh37 (hg19) VCF-style: chr17-29585499-G-T.
Other names: c.4248G>T, p.Arg1416Ser (NM_000267.4); short protein forms R1437S, R1416S.
Identifiers: ClinVar variation 5025523 (VCV005025523.1).

ClinVar aggregate classification (germline): Uncertain significance (1 of 4 stars; one submission).

Conditions:
Cardiovascular phenotype. Identifiers: MedGen CN230736.
Hereditary cancer-predisposing syndrome. Also called: Neoplastic Syndromes, Hereditary; Tumor predisposition; Hereditary neoplastic syndrome; Hereditary Cancer Syndrome. Identifiers: Orphanet 140162, MedGen C0027672, MeSH D009386, MONDO:0015356.

Submission:

Ambry Genetics
Classification: Uncertain significance for Cardiovascular phenotype; Hereditary cancer-predisposing syndrome. Last evaluated: 2026-08-10. Review status: criteria provided, single submitter. Criteria: Ambry Variant Classification Scheme 2023. Collection method: clinical testing. Allele origin: germline.
Comment: The p.R1416S variant (also known as c.4248G>T), located in coding exon 31 of the NF1 gene, results from a G to T substitution at nucleotide position 4248. The arginine at codon 1416 is replaced by serine, an amino acid with dissimilar properties. This amino acid position is conserved. In addition, this alteration is predicted to be deleterious by in silico analysis. Based on the available evidence, the clinical significance of this variant remains unclear.